The following is an entry in ClinVar:

NM_001378778.1(MPDZ):c.2194T>A (p.Ser732Thr)

Gene: MPDZ (multiple PDZ domain crumbs cell polarity complex component; minus strand). Cytogenetic location: 9p23.
Variant type: single nucleotide variant.
Coding change: c.2194T>A on transcript NM_001378778.1 (MANE Select); coding-DNA position 2194, T replaced by A.
Protein change: p.Ser732Thr; replaces serine 732 with threonine.
Molecular consequence: missense variant.
Genome position (GRCh38, 1-based): chr9:13,188,954, A>T on the plus strand (T>A on the coding strand, the complement: MPDZ is on the minus strand). VCF-style: chr9-13188954-A-T. GRCh37 (hg19) VCF-style: chr9-13188953-A-T.
Other names: c.2194T>A (NM_003829.3); c.2194T>A, p.Ser732Thr (NM_001261406.2, NM_001261407.2, NM_001330637.2 and 14 more transcripts); short protein forms S732T.
Identifiers: ClinVar variation 719238 (VCV000719238.38), dbSNP rs200475640, ClinGen allele CA4987528.

ClinVar aggregate classification (germline): Likely benign. Review status: criteria provided, multiple submitters, no conflicts (2 of 4 stars). 6 submissions from 6 submitters: Likely benign (4). 2 of the submissions do not count toward it. Last evaluated 2026-01-26.

Conditions:
MPDZ-related disorder. Also called: MPDZ-related condition.
Meniere disease. Also called: Ménière's disease. Identifiers: MedGen C0025281, MONDO:0007972, OMIM 156000.
Inborn genetic diseases. Identifiers: MedGen C0950123, MeSH D030342.

Allele frequency attached by ClinVar (database versions not stated): 1000 Genomes Project 30x 0.00047; 1000 Genomes Project 0.00060; gnomAD exomes 0.00122 and 0.00175; ESP Exome Variant Server 0.00129; gnomAD 0.00133 and 0.00138; ExAC 0.00144; TOPMed 0.00181.
gnomAD v4.1: 2,740 of 1,613,356 alleles (0.17%); highest among the groups gnomAD compares: Non-Finnish European, 0.21%; 3 homozygotes.

Submissions (6):

Labcorp Genetics (formerly Invitae), Labcorp
Classification: Likely benign. Last evaluated: 2026-01-26. Review status: criteria provided, single submitter. Criteria: Invitae Variant Classification Sherloc (09022015). Collection method: clinical testing. Allele origin: germline.

CeGaT Center for Human Genetics Tuebingen
Classification: Likely benign. Last evaluated: 2025-06-01. Review status: criteria provided, single submitter. Criteria: CeGaT Center For Human Genetics Tuebingen Variant Classification Criteria Version 2. Collection method: clinical testing. Allele origin: germline. Affected: yes. Observed: 4 variant alleles.
Comment: MPDZ: BS1

Blueprint Genetics
Classification: Likely benign. Last evaluated: 2024-11-15. Review status: criteria provided, single submitter. Criteria: ACMG Guidelines, 2015. Collection method: clinical testing. Allele origin: germline.

Ambry Genetics
Classification: Likely benign for Inborn genetic diseases. Last evaluated: 2021-07-30. Review status: criteria provided, single submitter. Criteria: Ambry Variant Classification Scheme 2023. Collection method: clinical testing. Allele origin: germline.

Center for Computational Biology & Bioinformatics, University of California, San Diego
Classification: Uncertain significance for Meniere disease. Last evaluated: 2024-06-03. Review status: no assertion criteria provided. Collection method: research. Allele origin: germline. Affected: yes. Not counted in ClinVar's aggregate classification.

PreventionGenetics, part of Exact Sciences
Classification: Likely benign for MPDZ-related condition. Last evaluated: 2022-04-15. Review status: no assertion criteria provided. Collection method: clinical testing. Allele origin: germline. Not counted in ClinVar's aggregate classification.
Comment: This variant is classified as likely benign based on ACMG/AMP sequence variant interpretation guidelines (Richards et al. 2015 PMID: 25741868, with internal and published modifications).